The following is an entry in ClinVar:

ClinVar aggregate classification (germline): Likely benign (1 of 4 stars; one submission).

gnomAD v4.1: 3 of 1,613,960 alleles (0.00019%); highest among the groups gnomAD compares: African/African-American, 0.004%; no homozygotes.

Submission:

CeGaT Center for Human Genetics Tuebingen
Classification: Likely benign. Last evaluated: 2026-04-01. Review status: criteria provided, single submitter. Criteria: CeGaT Center For Human Genetics Tuebingen Variant Classification Criteria Version 2. Collection method: clinical testing. Allele origin: germline. Affected: yes. Observed: 1 variant allele.
Comment: PRKDC: BP4, BP7

NM_006904.7(PRKDC):c.8250G>A (p.Glu2750=)

Gene: PRKDC (protein kinase, DNA-activated, catalytic subunit; minus strand). Cytogenetic location: 8q11.21.
Variant type: single nucleotide variant.
Coding change: c.8250G>A on transcript NM_006904.7 (MANE Select); coding-DNA position 8250, G replaced by A.
Protein change: p.Glu2750=; no amino-acid change (glutamic acid 2750 retained).
Molecular consequence: synonymous variant.
Genome position (GRCh38, 1-based): chr8:47,831,829, C>T on the plus strand (G>A on the coding strand, the complement: PRKDC is on the minus strand). VCF-style: chr8-47831829-C-T. GRCh37 (hg19) VCF-style: chr8-48744390-C-T.
Other names: c.8250G>A, p.Glu2750= (NM_001081640.2).
Identifiers: ClinVar variation 4873519 (VCV004873519.2).